The following is an entry in ClinVar:

NM_001080414.4(CCDC88C):c.5653C>T (p.Arg1885Cys)

Gene: CCDC88C (coiled-coil and HOOK domain protein 88C; minus strand). Cytogenetic location: 14q32.11.
Variant type: single nucleotide variant.
Coding change: c.5653C>T on transcript NM_001080414.4 (MANE Select); coding-DNA position 5653, C replaced by T.
Protein change: p.Arg1885Cys; replaces arginine 1885 with cysteine.
Molecular consequence: missense variant.
Genome position (GRCh38, 1-based): chr14:91,273,059, G>A on the plus strand (C>T on the coding strand, the complement: CCDC88C is on the minus strand). VCF-style: chr14-91273059-G-A. GRCh37 (hg19) VCF-style: chr14-91739403-G-A.
Other names: short protein forms R1885C.
Identifiers: ClinVar variation 3264392 (VCV003264392.2).
Genomic context (GRCh38, chr14:91,273,059, plus strand): 5'-CTGTGGCAGACTGATGCAGGGGGGCCAGCCTCTCCTCCTTTGGGGGAGCCAGGGAGAAGC[G>A]CCTCGTGTCCAGCGGCCGGCTGCGGGGACCTGGGCCCTGACAGGAGCTGCCAGCCTTTCC-3'
Protein context (NP_001073883.2, residues 1875-1895): GPRSRPLDTR[Arg1885Cys]FSLAPPKEER

ClinVar aggregate classification (germline): Uncertain significance. Review status: criteria provided, multiple submitters, no conflicts (2 of 4 stars). 2 submissions from 2 submitters: Uncertain significance (2). Last evaluated 2025-11-25.

Conditions:
Inborn genetic diseases. Identifiers: MedGen C0950123, MeSH D030342.

gnomAD v4.1: 45 of 1,557,656 alleles (0.0029%); highest among the groups gnomAD compares: African/African-American, 0.039%; no homozygotes.

Submissions (2):

Women's Health and Genetics/Laboratory Corporation of America, LabCorp
Classification: Uncertain significance. Last evaluated: 2025-11-25. Review status: criteria provided, single submitter. Criteria: LabCorp Variant Classification Summary - May 2015. Collection method: clinical testing. Allele origin: germline.
Comment: Variant summary: CCDC88C c.5653C>T (p.Arg1885Cys) results in a non-conservative amino acid change in the encoded protein sequence. Algorithms developed to predict the effect of missense changes on protein structure and function all suggest that this variant is likely to be disruptive. The variant allele was found at a frequency of 1.9e-05 in 161262 control chromosomes. The available data on variant occurrences in the general population are insufficient to allow any conclusion about variant significance. To our knowledge, no occurrence of c.5653C>T in individuals affected with CCDC88C-related conditions and no experimental evidence demonstrating its impact on protein function have been reported. ClinVar contains an entry for this variant (Variation ID: 3264392). Based on the evidence outlined above, the variant was classified as uncertain significance.

Ambry Genetics
Classification: Uncertain significance for Inborn genetic diseases. Last evaluated: 2024-04-19. Review status: criteria provided, single submitter. Criteria: Ambry Variant Classification Scheme 2023. Collection method: clinical testing. Allele origin: germline.